The following is an entry in ClinVar:

NM_172351.3(CD46):c.509del (p.Asn170fs)

Gene: CD46 (CD46 molecule; plus strand). Cytogenetic location: 1q32.2.
Variant type: Deletion.
Coding change: c.509del on transcript NM_172351.3 (MANE Select); coding-DNA position 509, one base deleted (A; older notation c.509delA).
Protein change: p.Asn170fs; shifts the reading frame from asparagine 170.
Molecular consequence: frameshift variant.
Genome position (GRCh38, 1-based): chr1:207,761,282, A deleted; the last of 6 consecutive A bases (chr1:207,761,277-207,761,282); deleting any one gives the same sequence. VCF-style (leftmost placement, unchanged base first): chr1-207761276-TA-T. GRCh37 (hg19) VCF-style: chr1-207934621-TA-T.
Other names: c.509del, p.Asn170fs (NM_002389.4, NM_153826.4, NM_172350.3 and 8 more transcripts); short protein forms N170fs.
Identifiers: ClinVar variation 4291166 (VCV004291166.1).

ClinVar aggregate classification (germline): Pathogenic, low penetrance (1 of 4 stars; one submission).

Conditions:
Atypical hemolytic-uremic syndrome. Identifiers: Orphanet 2134, MedGen C2931788, MONDO:0016244.

Submission:

Genomenon, Inc
Classification: Pathogenic, low penetrance for Atypical hemolytic-uremic syndrome. Last evaluated: 2025-10-02. Review status: criteria provided, single submitter. Criteria: Genomenon Sequence Variant Interpretation Standards. Collection method: curation. Allele origin: germline. Affected: yes.
Comment: CD46 p.Asn170MetfsTer9 (c.509del) is a frameshift variant that results in the production of a truncated protein which is predicted to undergo nonsense-mediated mRNA decay. This variant has been observed in at least one proband affected with atypical hemolytic-uremic syndrome (PMID:29511899). It is absent or not present at a significant frequency in gnomAD. In conclusion, we classify CD46 p.Asn170MetfsTer9 (c.509del) as a pathogenic variant.

Literature cited by the submitters: PubMed 29511899.